The following is an entry in ClinVar:

ClinVar aggregate classification (germline): Uncertain significance. Review status: criteria provided, multiple submitters, no conflicts (2 of 4 stars). 2 submissions from 2 submitters: Uncertain significance (2). Last evaluated 2025-05-12.

Conditions:
Hereditary cancer-predisposing syndrome. Also called: Neoplastic Syndromes, Hereditary; Tumor predisposition; Hereditary Cancer Syndrome; Hereditary neoplastic syndrome. Identifiers: Orphanet 140162, MedGen C0027672, MeSH D009386, MONDO:0015356.
Ataxia-telangiectasia syndrome (AT). Also called: LOUIS-BAR SYNDROME; Cerebello-oculocutaneous telangiectasia; Immunodeficiency with ataxia telangiectasia; Ataxia telangiectasia (A-T); Ataxia-telangiectasia, complementation group D; AT, COMPLEMENTATION GROUP C. Identifiers: Orphanet 100, MedGen C0004135, MONDO:0008840, OMIM 208900.

Submissions (2):

Ambry Genetics
Classification: Uncertain significance for Hereditary cancer-predisposing syndrome. Last evaluated: 2025-05-12. Review status: criteria provided, single submitter. Criteria: Ambry Variant Classification Scheme 2023. Collection method: clinical testing. Allele origin: germline.
Comment: The p.L3035H variant (also known as c.9104T>A), located in coding exon 62 of the ATM gene, results from a T to A substitution at nucleotide position 9104. The leucine at codon 3035 is replaced by histidine, an amino acid with similar properties. This amino acid position is highly conserved in available vertebrate species. In addition, this alteration is predicted to be deleterious by in silico analysis. Based on the available evidence, the clinical significance of this variant remains unclear.

Labcorp Genetics (formerly Invitae), Labcorp
Classification: Uncertain significance for Ataxia-telangiectasia syndrome. Last evaluated: 2020-11-27. Review status: criteria provided, single submitter. Criteria: Invitae Variant Classification Sherloc (09022015). Collection method: clinical testing. Allele origin: germline.
Comment: This variant is not present in population databases (ExAC no frequency). This sequence change replaces leucine with histidine at codon 3035 of the ATM protein (p.Leu3035His). The leucine residue is highly conserved and there is a moderate physicochemical difference between leucine and histidine. This variant has not been reported in the literature in individuals with ATM-related conditions. Advanced modeling of protein sequence and biophysical properties (such as structural, functional, and spatial information, amino acid conservation, physicochemical variation, residue mobility, and thermodynamic stability) performed at Invitae indicates that this missense variant is expected to disrupt ATM protein function. In summary, the available evidence is currently insufficient to determine the role of this variant in disease. Therefore, it has been classified as a Variant of Uncertain Significance.

NM_000051.4(ATM):c.9104T>A (p.Leu3035His)

Genes: ATM (ATM serine/threonine kinase; plus strand), C11orf65 (chromosome 11 open reading frame 65; minus strand). Cytogenetic location: 11q22.3.
Variant type: single nucleotide variant.
Coding change: c.9104T>A on transcript NM_000051.4 (MANE Select); coding-DNA position 9104, T replaced by A.
Protein change: p.Leu3035His; replaces leucine 3035 with histidine.
Molecular consequence: missense variant. On other transcripts: intron variant (2).
Genome position (GRCh38, 1-based): chr11:108,365,441, T>A. VCF-style: chr11-108365441-T-A. GRCh37 (hg19) VCF-style: chr11-108236168-T-A.
Other names: c.9104T>A, p.Leu3035His (NM_001351834.2); c.640+20479A>T (NM_001330368.2); c.694+20479A>T (NM_001351110.2); short protein forms L3035H.
Identifiers: ClinVar variation 1501835 (VCV001501835.9), dbSNP rs1272213516, ClinGen allele CA382531957.